The following is an entry in ClinVar:

NM_022829.6(SLC13A3):c.904G>A (p.Gly302Arg)

Gene: SLC13A3 (solute carrier family 13 member 3; minus strand). Cytogenetic location: 20q13.12.
Variant type: single nucleotide variant.
Coding change: c.904G>A on transcript NM_022829.6 (MANE Select); coding-DNA position 904, G replaced by A.
Protein change: p.Gly302Arg; replaces glycine 302 with arginine.
Molecular consequence: missense variant.
Genome position (GRCh38, 1-based): chr20:46,592,420, C>T on the plus strand (G>A on the coding strand, the complement: SLC13A3 is on the minus strand). VCF-style: chr20-46592420-C-T. GRCh37 (hg19) VCF-style: chr20-45221059-C-T.
Other names: c.763G>A, p.Gly255Arg (NM_001011554.3, NM_001193340.2); c.754G>A, p.Gly252Arg (NM_001193339.2); c.610G>A, p.Gly204Arg (NM_001193342.2); c.904G>A (NM_022829.5); short protein forms G252R, G302R, G204R, G255R.
Identifiers: ClinVar variation 1927598 (VCV001927598.6), dbSNP rs770765724, ClinGen allele CA9891486.
Genomic context (GRCh38, chr20:46,592,420, plus strand): 5'-TCCCTGCTTCCCCACTCTATTGCCAAAAAGAAAATGAGAGGTACCTGAAGCTCAGTCCCC[C>T]GTACAGGAAGGAGATCCAGAGCCAGCCTGCCAACAGGAACAACAGCATAAGAGGGAAGGC-3'
Protein context (NP_073740.2, residues 292-312): AGWLWISFLY[Gly302Arg]GLSFRGWRKN

ClinVar aggregate classification (germline): Uncertain significance. Review status: criteria provided, multiple submitters, no conflicts (2 of 4 stars). 2 submissions from 2 submitters: Uncertain significance (2). Last evaluated 2025-07-14.

Allele frequency attached by ClinVar (database versions not stated): ExAC 0.00002; TOPMed 0.00004; gnomAD 0.00009.
gnomAD v4.1: 41 of 1,613,854 alleles (0.0025%); highest among the groups gnomAD compares: African/African-American, 0.0093%; no homozygotes.

Submissions (2):

Labcorp Genetics (formerly Invitae), Labcorp
Classification: Uncertain significance. Last evaluated: 2025-07-14. Review status: criteria provided, single submitter. Criteria: Invitae Variant Classification Sherloc (09022015). Collection method: clinical testing. Allele origin: germline.
Comment: This sequence change replaces glycine, which is neutral and non-polar, with arginine, which is basic and polar, at codon 302 of the SLC13A3 protein (p.Gly302Arg). This variant is present in population databases (rs770765724, gnomAD 0.02%). This variant has not been reported in the literature in individuals affected with SLC13A3-related conditions. ClinVar contains an entry for this variant (Variation ID: 1927598). Invitae Evidence Modeling of protein sequence and biophysical properties (such as structural, functional, and spatial information, amino acid conservation, physicochemical variation, residue mobility, and thermodynamic stability) indicates that this missense variant is not expected to disrupt SLC13A3 protein function with a negative predictive value of 80%. In summary, the available evidence is currently insufficient to determine the role of this variant in disease. Therefore, it has been classified as a Variant of Uncertain Significance.

Ambry Genetics
Classification: Uncertain significance. Last evaluated: 2025-03-25. Review status: criteria provided, single submitter. Criteria: Ambry Variant Classification Scheme 2023. Collection method: clinical testing. Allele origin: germline.